The following is an entry in ClinVar:

ClinVar aggregate classification (germline): Uncertain significance (1 of 4 stars; one submission).

Conditions:
Polycystic liver disease 3 with or without kidney cysts. Identifiers: MedGen C4693472, MONDO:0054743, OMIM 617874.

Submission:

3billion
Classification: Uncertain significance for Polycystic liver disease 3 with or without kidney cysts. Last evaluated: 2022-03-22. Review status: criteria provided, single submitter. Criteria: ACMG Guidelines, 2015. Collection method: clinical testing. Allele origin: germline. Affected: yes. Observed: 1 heterozygote.
Comment: The variant is not observed in the gnomAD v2.1.1 dataset. In silico tool predictions suggest damaging effect of the variant on gene or gene product (REVEL: 0.759>=0.6). Therefore, this variant is classified as uncertain significance according to the recommendation of ACMG/AMP guideline.

NM_024079.5(ALG8):c.758T>C (p.Leu253Ser)

Gene: ALG8 (ALG8 alpha-1,3-glucosyltransferase; minus strand). Cytogenetic location: 11q14.1.
Variant type: single nucleotide variant.
Coding change: c.758T>C on transcript NM_024079.5 (MANE Select); coding-DNA position 758, T replaced by C.
Protein change: p.Leu253Ser; replaces leucine 253 with serine.
Molecular consequence: missense variant.
Genome position (GRCh38, 1-based): chr11:78,113,905, A>G on the plus strand (T>C on the coding strand, the complement: ALG8 is on the minus strand). VCF-style: chr11-78113905-A-G. GRCh37 (hg19) VCF-style: chr11-77824951-A-G.
Other names: c.758T>C, p.Leu253Ser (NM_001007027.3); short protein forms L253S.
Identifiers: ClinVar variation 1526064 (VCV001526064.1), dbSNP rs2136902870, ClinGen allele CA382116859.